The following is an entry in ClinVar:

ClinVar aggregate classification (germline): Uncertain significance. Review status: criteria provided, multiple submitters, no conflicts (2 of 4 stars). 2 submissions from 2 submitters: Uncertain significance (2). Last evaluated 2024-10-17.

Conditions:
Hereditary cancer-predisposing syndrome. Also called: Tumor predisposition; Hereditary neoplastic syndrome; Neoplastic Syndromes, Hereditary; Hereditary Cancer Syndrome. Identifiers: Orphanet 140162, MedGen C0027672, MeSH D009386, MONDO:0015356.
Familial adenomatous polyposis 1 (FAP1). Also called: POLYPOSIS, ADENOMATOUS INTESTINAL; FAMILIAL ADENOMATOUS POLYPOSIS 1, ATTENUATED. Identifiers: MedGen C2713442, MONDO:0021056, OMIM 175100. Disease mechanism: loss of function.

Allele frequency attached by ClinVar (database versions not stated): gnomAD exomes below 0.00001.
gnomAD v4.1: 4 of 1,612,332 alleles (0.00025%); highest among the groups gnomAD compares: Non-Finnish European, 0.00034%; no homozygotes.

Submissions (2):

Ambry Genetics
Classification: Uncertain significance for Hereditary cancer-predisposing syndrome. Last evaluated: 2024-10-17. Review status: criteria provided, single submitter. Criteria: Ambry Variant Classification Scheme 2023. Collection method: clinical testing. Allele origin: germline.
Comment: The p.E268K variant (also known as c.802G>A), located in coding exon 7 of the APC gene, results from a G to A substitution at nucleotide position 802. The glutamic acid at codon 268 is replaced by lysine, an amino acid with similar properties. This amino acid position is well conserved in available vertebrate species. In addition, in silico predictors for this gene do not accurately predict pathogenicity. Missense alterations in APC are not a common cause of disease (Spier I et al. Genet Med. 2024 Feb;26(2):100992). Based on the available evidence, the clinical significance of this variant remains unclear.

Labcorp Genetics (formerly Invitae), Labcorp
Classification: Uncertain significance for Familial adenomatous polyposis 1. Last evaluated: 2019-09-12. Review status: criteria provided, single submitter. Criteria: Invitae Variant Classification Sherloc (09022015). Collection method: clinical testing. Allele origin: germline.
Comment: This variant is not present in population databases (ExAC no frequency). This sequence change replaces glutamic acid with lysine at codon 268 of the APC protein (p.Glu268Lys). The glutamic acid residue is highly conserved and there is a small physicochemical difference between glutamic acid and lysine. This variant has not been reported in the literature in individuals with APC-related conditions. In summary, the available evidence is currently insufficient to determine the role of this variant in disease. Therefore, it has been classified as a Variant of Uncertain Significance. Algorithms developed to predict the effect of missense changes on protein structure and function (SIFT, PolyPhen-2, Align-GVGD) all suggest that this variant is likely to be tolerated, but these predictions have not been confirmed by published functional studies and their clinical significance is uncertain.

NM_000038.6(APC):c.802G>A (p.Glu268Lys)

Gene: APC (APC regulator of Wnt signaling pathway; plus strand). Cytogenetic location: 5q22.2.
Variant type: single nucleotide variant.
Coding change: c.802G>A on transcript NM_000038.6 (MANE Select); coding-DNA position 802, G replaced by A.
Protein change: p.Glu268Lys; replaces glutamic acid 268 with lysine.
Molecular consequence: missense variant. On other transcripts: 5 prime UTR variant (1).
Genome position (GRCh38, 1-based): chr5:112,801,351, G>A. VCF-style: chr5-112801351-G-A. GRCh37 (hg19) VCF-style: chr5-112137048-G-A.
Other names: c.802G>A, p.Glu268Lys (NM_001127510.3, NM_001354895.2, NM_001354896.2 and 1 more transcripts); c.748G>A, p.Glu250Lys (NM_001127511.3); c.832G>A, p.Glu278Lys (NM_001354897.2, NM_001354902.2); c.727G>A, p.Glu243Lys (NM_001354898.2, NM_001354904.2); c.718G>A, p.Glu240Lys (NM_001354899.2); c.625G>A, p.Glu209Lys (NM_001354900.2, NM_001354901.2, NM_001354905.2); c.-234G>A (NM_001354906.2); short protein forms E268K, E243K, E278K, E209K, E240K, E250K.
Identifiers: ClinVar variation 958901 (VCV000958901.12), dbSNP rs1326410920, ClinGen allele CA16023081.